The following is an entry in ClinVar:

NM_000179.3(MSH6):c.2473del (p.Ile825fs)

Gene: MSH6 (mutS homolog 6; plus strand). Cytogenetic location: 2p16.3.
Variant type: Deletion.
Coding change: c.2473del on transcript NM_000179.3 (MANE Select); coding-DNA position 2473, one base deleted (A; older notation c.2473delA).
Protein change: p.Ile825fs; shifts the reading frame from isoleucine 825.
Molecular consequence: frameshift variant.
Genome position (GRCh38, 1-based): chr2:47,800,456, A deleted; the last of 4 consecutive A bases (chr2:47,800,453-47,800,456); deleting any one gives the same sequence. VCF-style (leftmost placement, unchanged base first): chr2-47800452-TA-T. GRCh37 (hg19) VCF-style: chr2-48027591-TA-T.
Other names: c.2473delA (NM_000179.2); c.2083del, p.Ile695fs (NM_001281492.2); c.1567del, p.Ile523fs (NM_001281493.2, NM_001281494.2); short protein forms I825fs, I523fs, I695fs.
Identifiers: ClinVar variation 852412 (VCV000852412.10), dbSNP rs1669467747, ClinGen allele CA916079963.

ClinVar aggregate classification (germline): Pathogenic. Review status: criteria provided, multiple submitters, no conflicts (2 of 4 stars). 2 submissions from 2 submitters: Pathogenic (2). Last evaluated 2019-03-28.

Conditions:
Hereditary cancer-predisposing syndrome. Also called: Neoplastic Syndromes, Hereditary; Hereditary Cancer Syndrome; Tumor predisposition; Hereditary neoplastic syndrome. Identifiers: Orphanet 140162, MedGen C0027672, MeSH D009386, MONDO:0015356.
Hereditary nonpolyposis colorectal neoplasms. Identifiers: MedGen C0009405, MeSH D003123.

Submissions (2):

Labcorp Genetics (formerly Invitae), Labcorp
Classification: Pathogenic for Hereditary nonpolyposis colorectal neoplasms. Last evaluated: 2019-03-28. Review status: criteria provided, single submitter. Criteria: Invitae Variant Classification Sherloc (09022015). Collection method: clinical testing. Allele origin: germline.
Comment: This sequence change creates a premature translational stop signal (p.Ile825Phefs*8) in the MSH6 gene. It is expected to result in an absent or disrupted protein product. This variant is not present in population databases (ExAC no frequency). Loss-of-function variants in MSH6 are known to be pathogenic (PMID: 18269114, 24362816). This variant has not been reported in the literature in individuals with MSH6-related conditions. For these reasons, this variant has been classified as Pathogenic.

Ambry Genetics
Classification: Pathogenic for Hereditary cancer-predisposing syndrome. Last evaluated: 2018-10-11. Review status: criteria provided, single submitter. Criteria: Ambry Variant Classification Scheme 2023. Collection method: clinical testing. Allele origin: germline.
Comment: The c.2473delA pathogenic mutation, located in coding exon 4 of the MSH6 gene, results from a deletion of one nucleotide at nucleotide position 2473, causing a translational frameshift with a predicted alternate stop codon (p.I825Ffs*8). This alteration is expected to result in loss of function by premature protein truncation or nonsense-mediated mRNA decay. As such, this alteration is interpreted as a disease-causing mutation.

Literature cited by the submitters: PubMed 18269114 (cited by Labcorp Genetics (formerly Invitae), Labcorp); PubMed 24362816 (cited by Labcorp Genetics (formerly Invitae), Labcorp).